The following is an entry in ClinVar:

ClinVar aggregate classification (germline): Uncertain significance (1 of 4 stars; one submission).

Conditions:
Autoimmune interstitial lung disease-arthritis syndrome. Also called: Autoinflammation and autoimmunity, systemic, with immune dysregulation. Identifiers: Orphanet 444092, MedGen C5975714, MONDO:0014629.

Submission:

Labcorp Genetics (formerly Invitae), Labcorp
Classification: Uncertain significance for Autoimmune interstitial lung disease-arthritis syndrome. Last evaluated: 2022-08-13. Review status: criteria provided, single submitter. Criteria: Invitae Variant Classification Sherloc (09022015). Collection method: clinical testing. Allele origin: germline.
Comment: This sequence change replaces glutamic acid, which is acidic and polar, with glutamine, which is neutral and polar, at codon 659 of the COPA protein (p.Glu659Gln). This variant is not present in population databases (gnomAD no frequency). This variant has not been reported in the literature in individuals affected with COPA-related conditions. Algorithms developed to predict the effect of missense changes on protein structure and function are either unavailable or do not agree on the potential impact of this missense change (SIFT: "Deleterious"; PolyPhen-2: "Benign"; Align-GVGD: "Class C0"). In summary, the available evidence is currently insufficient to determine the role of this variant in disease. Therefore, it has been classified as a Variant of Uncertain Significance.

NM_004371.4(COPA):c.1975G>C (p.Glu659Gln)

Gene: COPA (coat protein complex I subunit alpha; minus strand). Cytogenetic location: 1q23.2.
Variant type: single nucleotide variant.
Coding change: c.1975G>C on transcript NM_004371.4 (MANE Select); coding-DNA position 1975, G replaced by C.
Protein change: p.Glu659Gln; replaces glutamic acid 659 with glutamine.
Molecular consequence: missense variant.
Genome position (GRCh38, 1-based): chr1:160,298,847, C>G on the plus strand (G>C on the coding strand, the complement: COPA is on the minus strand). VCF-style: chr1-160298847-C-G. GRCh37 (hg19) VCF-style: chr1-160268637-C-G.
Other names: c.2002G>C, p.Glu668Gln (NM_001098398.2); short protein forms E668Q, E659Q.
Identifiers: ClinVar variation 2111988 (VCV002111988.4), dbSNP rs2525367470, ClinGen allele CA343280192.
Genomic context (GRCh38, chr1:160,298,847, plus strand): 5'-GCACTCTAACTCTCTCACCTCTAAGACAATATGGGGCTGATGACCATATTCCTCTCACCT[C>G]AATGTTTCCACACTCCAGTGCCAGACTAAAGCGAGTTTTCTCATCCTTGACAAAATGCAG-3'
Protein context (NP_004362.2, residues 649-669): FSLALECGNI[Glu659Gln]IALEAAKALD